The following is an entry in ClinVar:

NM_001384140.1(PCDH15):c.4671+1564del

Gene: PCDH15 (protocadherin related 15; minus strand). Cytogenetic location: 10q21.1.
Variant type: Deletion.
Coding change: c.4671+1564del on transcript NM_001384140.1 (MANE Select); 1564 bases into the intron after coding-DNA position 4671, one base deleted (A; older notation c.4671+1564delA).
Molecular consequence: intron variant. On other transcripts: frameshift variant (2), 3 prime UTR variant (1).
Genome position (GRCh38, 1-based): chr10:53,808,992, T deleted on the plus strand (A on the coding strand, the reverse complement: PCDH15 is on the minus strand); the first of 5 consecutive T bases (chr10:53,808,992-53,808,996); deleting any one gives the same sequence. VCF-style (leftmost placement, unchanged base first): chr10-53808991-CT-C. GRCh37 (hg19) VCF-style: chr10-55568751-CT-C.
Other names: c.5069delA, p.Glu1692Asnfs (NM_001142769.4); c.*488del (NM_001142770.3); c.5052del, p.Glu1685fs (NM_001354411.2); c.4476+1564del (NM_001354420.2); c.4605+1564del (NM_001354429.2); c.4482+1564del (NM_001142772.2); c.4497+1564del (NM_001142771.2); short protein forms E1685fs, E1692fs.
Identifiers: ClinVar variation 3068472 (VCV003068472.2), dbSNP rs2075764795, ClinGen allele CA1910762257.

ClinVar aggregate classification (germline): Likely pathogenic (1 of 4 stars; one submission).

Conditions:
Usher syndrome type 1D (USH1D). Also called: USHER SYNDROME, TYPE ID. Identifiers: Orphanet 231169, Orphanet 886, MedGen C1832845, MONDO:0010984, OMIM 601067.

Submission:

Institute of Human Genetics, University of Leipzig Medical Center
Classification: Likely pathogenic for Usher syndrome type 1D. Last evaluated: 2024-03-27. Review status: criteria provided, single submitter. Criteria: ACMG Guidelines, 2015. Collection method: clinical testing. Allele origin: unknown. Affected: yes.
Comment: Criteria applied: PVS1_STR,PM2_SUP,PP4